The following is an entry in ClinVar:

NM_198506.5(LRIT3):c.1805TGT[1] (p.Leu603del)

Gene: LRIT3 (leucine rich repeat, Ig-like and transmembrane domains 3; plus strand). Cytogenetic location: 4q25.
Variant type: Microsatellite.
Coding change: c.1805TGT[1] on transcript NM_198506.5 (MANE Select); one copy of the 3-base unit TGT starting at c.1805; the reference has two copies in a row; one copy, 3 bases deleted.
Protein change: p.Leu603del; deletes leucine 603.
Molecular consequence: inframe deletion.
Genome position (GRCh38, 1-based): chr4:109,870,557-109,870,559, TGT deleted; deleting any 3 consecutive bases within chr4:109,870,553-109,870,559 gives the same sequence; the position shown is the placement nearest the transcript's 3' end. VCF-style (leftmost placement, unchanged base first): chr4-109870552-CTTG-C. GRCh37 (hg19) VCF-style: chr4-110791708-CTTG-C.
Other names: short protein forms L603del.
Identifiers: ClinVar variation 1934136 (VCV001934136.4), dbSNP rs752913619, ClinGen allele CA3043265.

ClinVar aggregate classification (germline): Uncertain significance (1 of 4 stars; one submission).

Submission:

Labcorp Genetics (formerly Invitae), Labcorp
Classification: Uncertain significance. Last evaluated: 2024-11-18. Review status: criteria provided, single submitter. Criteria: Invitae Variant Classification Sherloc (09022015). Collection method: clinical testing. Allele origin: germline.
Comment: This variant, c.1808_1810del, results in the deletion of 1 amino acid(s) of the LRIT3 protein (p.Leu603del), but otherwise preserves the integrity of the reading frame. This variant is present in population databases (rs752913619, gnomAD 0.008%). This variant has not been reported in the literature in individuals affected with LRIT3-related conditions. Experimental studies and prediction algorithms are not available or were not evaluated, and the functional significance of this variant is currently unknown. In summary, the available evidence is currently insufficient to determine the role of this variant in disease. Therefore, it has been classified as a Variant of Uncertain Significance.